The following is an entry in ClinVar:

NM_001457.4(FLNB):c.4405G>A (p.Val1469Met)

Gene: FLNB (filamin B; plus strand). Cytogenetic location: 3p14.3.
Variant type: single nucleotide variant.
Coding change: c.4405G>A on transcript NM_001457.4 (MANE Select); coding-DNA position 4405, G replaced by A.
Protein change: p.Val1469Met; replaces valine 1469 with methionine.
Molecular consequence: missense variant.
Genome position (GRCh38, 1-based): chr3:58,132,822, G>A. VCF-style: chr3-58132822-G-A. GRCh37 (hg19) VCF-style: chr3-58118549-G-A.
Other names: c.4498G>A, p.Val1500Met (NM_001164317.2); c.4405G>A, p.Val1469Met (NM_001164318.2, NM_001164319.2); short protein forms V1500M, V1469M.
Identifiers: ClinVar variation 1388686 (VCV001388686.6), dbSNP rs2107212108, ClinGen allele CA353351193.

ClinVar aggregate classification (germline): Uncertain significance (1 of 4 stars; one submission).

Allele frequency attached by ClinVar (database versions not stated): gnomAD exomes below 0.00001.
gnomAD v4.1: 1 of 1,614,174 alleles (0.000062%); highest among the groups gnomAD compares: Non-Finnish European, 0.000085%; no homozygotes.

Submission:

Labcorp Genetics (formerly Invitae), Labcorp
Classification: Uncertain significance. Last evaluated: 2022-06-27. Review status: criteria provided, single submitter. Criteria: Invitae Variant Classification Sherloc (09022015). Collection method: clinical testing. Allele origin: germline.
Comment: Advanced modeling of protein sequence and biophysical properties (such as structural, functional, and spatial information, amino acid conservation, physicochemical variation, residue mobility, and thermodynamic stability) performed at Invitae indicates that this missense variant is not expected to disrupt FLNB protein function. In summary, the available evidence is currently insufficient to determine the role of this variant in disease. Therefore, it has been classified as a Variant of Uncertain Significance. This variant has not been reported in the literature in individuals affected with FLNB-related conditions. This sequence change replaces valine, which is neutral and non-polar, with methionine, which is neutral and non-polar, at codon 1469 of the FLNB protein (p.Val1469Met). This variant is not present in population databases (gnomAD no frequency).